The following is an entry in ClinVar:

ClinVar aggregate classification (germline): Uncertain significance (1 of 4 stars; one submission).

Allele frequency attached by ClinVar (database versions not stated): gnomAD 0.00001.

Submission:

Labcorp Genetics (formerly Invitae), Labcorp
Classification: Uncertain significance. Last evaluated: 2022-08-19. Review status: criteria provided, single submitter. Criteria: Invitae Variant Classification Sherloc (09022015). Collection method: clinical testing. Allele origin: germline.
Comment: This variant has not been reported in the literature in individuals affected with FGFRL1-related conditions. This variant is present in population databases (no rsID available, gnomAD 0.009%). This sequence change replaces proline, which is neutral and non-polar, with serine, which is neutral and polar, at codon 139 of the FGFRL1 protein (p.Pro139Ser). Algorithms developed to predict the effect of missense changes on protein structure and function output the following: SIFT: "Tolerated"; PolyPhen-2: "Benign"; Align-GVGD: "Class C0". The serine amino acid residue is found in multiple mammalian species, which suggests that this missense change does not adversely affect protein function. In summary, the available evidence is currently insufficient to determine the role of this variant in disease. Therefore, it has been classified as a Variant of Uncertain Significance.

NM_001004356.3(FGFRL1):c.415C>T (p.Pro139Ser)

Gene: FGFRL1 (fibroblast growth factor receptor like 1; plus strand). Cytogenetic location: 4p16.3.
Variant type: single nucleotide variant.
Coding change: c.415C>T on transcript NM_001004356.3 (MANE Select); coding-DNA position 415, C replaced by T.
Protein change: p.Pro139Ser; replaces proline 139 with serine.
Molecular consequence: missense variant.
Genome position (GRCh38, 1-based): chr4:1,023,703, C>T. VCF-style: chr4-1023703-C-T. GRCh37 (hg19) VCF-style: chr4-1017491-C-T.
Other names: c.415C>T, p.Pro139Ser (NM_001004358.1, NM_001370296.1, NM_021923.3); short protein forms P139S.
Identifiers: ClinVar variation 2097917 (VCV002097917.4), dbSNP rs751619106, ClinGen allele CA91129065.
Genomic context (GRCh38, chr4:1,023,703, plus strand): 5'-GACATTAGCCCAGGGAAGGAGAGCCTGGGGCCCGACAGCTCCTCTGGGGGTCAAGAGGAC[C>T]CCGCCAGCCAGCAGTGGGGTGAGCAGGGGGTGACGGGGGTGGGGGGCGTCCGTCTGTCCC-3'
Protein context (NP_001004356.1, residues 129-149): PDSSSGGQED[Pro139Ser]ASQQWARPRF